The following is an entry in ClinVar:

NM_080669.6(SLC46A1):c.512T>A (p.Val171Asp)

Gene: SLC46A1 (solute carrier family 46 member 1; minus strand). Cytogenetic location: 17q11.2.
Variant type: single nucleotide variant.
Coding change: c.512T>A on transcript NM_080669.6 (MANE Select); coding-DNA position 512, T replaced by A.
Protein change: p.Val171Asp; replaces valine 171 with aspartic acid.
Molecular consequence: missense variant.
Genome position (GRCh38, 1-based): chr17:28,405,185, A>T on the plus strand (T>A on the coding strand, the complement: SLC46A1 is on the minus strand). VCF-style: chr17-28405185-A-T. GRCh37 (hg19) VCF-style: chr17-26732203-A-T.
Other names: c.512T>A, p.Val171Asp (NM_001242366.3); short protein forms V171D.
Identifiers: ClinVar variation 322409 (VCV000322409.12), dbSNP rs189103810, ClinGen allele CA8458319.

ClinVar aggregate classification (germline): Conflicting classifications of pathogenicity. Review status: criteria provided, conflicting classifications (1 of 4 stars). 6 submissions from 6 submitters: Uncertain significance (5); Likely benign (1). Last evaluated 2024-10-31.

Conditions:
Congenital defect of folate absorption. Also called: Hereditary Folate Malabsorption. Identifiers: Orphanet 90045, MedGen C0342705, MONDO:0009238, OMIM 229050.

Allele frequency attached by ClinVar (database versions not stated): 1000 Genomes Project 30x 0.00016; 1000 Genomes Project 0.00020; ESP Exome Variant Server 0.00055; gnomAD exomes 0.00095 and 0.00163; gnomAD 0.00106; ExAC 0.00116; TOPMed 0.00118.
gnomAD v4.1: 2,513 of 1,606,542 alleles (0.16%); highest among the groups gnomAD compares: Non-Finnish European, 0.19%; 6 homozygotes.

Submissions (6):

Blueprint Genetics
Classification: Uncertain significance. Last evaluated: 2024-10-31. Review status: criteria provided, single submitter. Criteria: ACMG Guidelines, 2015. Collection method: clinical testing. Allele origin: germline.

Women's Health and Genetics/Laboratory Corporation of America, LabCorp
Classification: Likely benign. Last evaluated: 2024-02-06. Review status: criteria provided, single submitter. Criteria: LabCorp Variant Classification Summary - May 2015. Collection method: clinical testing. Allele origin: germline.
Comment: Variant summary: SLC46A1 c.512T>A (p.Val171Asp) results in a non-conservative amino acid change in the encoded protein sequence. Four of five in-silico tools predict a damaging effect of the variant on protein function. The variant allele was found at a frequency of 0.0016 in 1606542 control chromosomes in the gnomAD database, including 6 homozygotes. The observed variant frequency is approximately 1.4 fold of the estimated maximal expected allele frequency for a pathogenic variant in SLC46A1 causing Congenital Defect Of Folate Absorption phenotype (0.0011), strongly suggesting that the variant is benign. c.512T>A has been reported in the literature in one individual with intellectual disability or autism; however, no second variant in the SLC46A1 gene was identified, additional variants in other genes were identified, and no variants likely causative for the individual's phenotype were reported (e.g. Redin_2014). Therefore, this report does not provide unequivocal conclusions about association of the variant with Congenital Defect Of Folate Absorption. To our knowledge, no experimental evidence demonstrating an impact on protein function has been reported. The following publication has been ascertained in the context of this evaluation (PMID: 25167861). ClinVar contains an entry for this variant (Variation ID: 322409). Based on the evidence outlined above, the variant was classified as likely benign.

Center for Genomics, Ann and Robert H. Lurie Children's Hospital of Chicago
Classification: Uncertain significance for Congenital defect of folate absorption. Last evaluated: 2022-12-21. Review status: criteria provided, single submitter. Criteria: ACMG Guidelines, 2015. Collection method: clinical testing. Allele origin: germline.
Comment: This variant has not been reported in the literature but is present in the Genome Aggregation Database (Highest reported MAF: 0.15% [175/119190]), and in ClinVar (Variation ID: 322409). Evolutionary conservation and computational prediction tools are unclear for this variant. In summary, data on this variant is insufficient for disease classification. Therefore, the clinical significance of this variant is uncertain.

Labcorp Genetics (formerly Invitae), Labcorp
Classification: Uncertain significance. Last evaluated: 2022-10-24. Review status: criteria provided, single submitter. Criteria: Invitae Variant Classification Sherloc (09022015). Collection method: clinical testing. Allele origin: germline.
Comment: This sequence change replaces valine, which is neutral and non-polar, with aspartic acid, which is acidic and polar, at codon 171 of the SLC46A1 protein (p.Val171Asp). This variant is present in population databases (rs189103810, gnomAD 0.1%), and has an allele count higher than expected for a pathogenic variant. This variant has not been reported in the literature in individuals affected with SLC46A1-related conditions. ClinVar contains an entry for this variant (Variation ID: 322409). Advanced modeling of protein sequence and biophysical properties (such as structural, functional, and spatial information, amino acid conservation, physicochemical variation, residue mobility, and thermodynamic stability) performed at Invitae indicates that this missense variant is not expected to disrupt SLC46A1 protein function. In summary, the available evidence is currently insufficient to determine the role of this variant in disease. Therefore, it has been classified as a Variant of Uncertain Significance.

Illumina Laboratory Services, Illumina
Classification: Uncertain significance for Congenital defect of folate absorption. Last evaluated: 2018-01-13. Review status: criteria provided, single submitter. Criteria: ICSL Variant Classification Criteria 13 December 2019. Collection method: clinical testing. Allele origin: germline.

Breakthrough Genomics
Classification: Uncertain significance. Review status: criteria provided, single submitter. Criteria: ACMG Guidelines, 2015. Collection method: not provided. Allele origin: germline. Inheritance: Autosomal recessive inheritance. Affected: yes.

Literature cited by the submitters: PubMed 25167861 (cited by Women's Health and Genetics/Laboratory Corporation of America, LabCorp).